The following is an entry in ClinVar:

ClinVar aggregate classification (germline): Pathogenic. Review status: criteria provided, multiple submitters, no conflicts (2 of 4 stars). 2 submissions from 2 submitters: Pathogenic (2). Last evaluated 2026-02-11.

Conditions:
Congenital hyperammonemia, type I. Also called: CPS I DEFICIENCY; Carbamoyl phosphate synthetase 1 deficiency; Hyperammonemia due to carbamoyl phosphate synthetase 1 deficiency; CPS 1 deficiency; Carbamyl phosphate synthetase (CPS) deficiency; Carbamoyl phosphate synthetase I deficiency disease. Identifiers: Orphanet 147, MedGen C4082171, MONDO:0009376, OMIM 237300.

Submissions (2):

Myriad Genetics, Inc.
Classification: Pathogenic for Congenital hyperammonemia, type I. Last evaluated: 2026-02-11. Review status: criteria provided, single submitter. Criteria: Myriad Autosomal Dominant, Autosomal Recessive and X-Linked Classification Criteria (2023). Collection method: clinical testing. Allele origin: unknown.
Comment: NM_001875.4(CPS1):c.1198_1201delAAAG(K400Efs*15) is a frameshift variant classified as pathogenic in the context of carbamoylphosphate synthetase I deficiency. K400Efs*15 has not been observed in cases with relevant disease. Relevant functional assessments of this variant are not available in the literature. K400Efs*15 has not been observed in referenced population frequency databases. In summary, NM_001875.4(CPS1):c.1198_1201delAAAG(K400Efs*15) is a frameshift variant in a gene where loss of function is a known mechanism of disease and is predicted to disrupt protein function. Please note: this variant was assessed in the context of healthy population screening.

Labcorp Genetics (formerly Invitae), Labcorp
Classification: Pathogenic for Congenital hyperammonemia, type I. Last evaluated: 2022-04-21. Review status: criteria provided, single submitter. Criteria: Invitae Variant Classification Sherloc (09022015). Collection method: clinical testing. Allele origin: germline.
Comment: Algorithms developed to predict the effect of sequence changes on RNA splicing suggest that this variant may create or strengthen a splice site. For these reasons, this variant has been classified as Pathogenic. This variant has not been reported in the literature in individuals affected with CPS1-related conditions. This variant is not present in population databases (gnomAD no frequency). This sequence change creates a premature translational stop signal (p.Lys400Glufs*15) in the CPS1 gene. It is expected to result in an absent or disrupted protein product. Loss-of-function variants in CPS1 are known to be pathogenic (PMID: 21120950).

Literature cited by the submitters: PubMed 21120950 (cited by Labcorp Genetics (formerly Invitae), Labcorp).

NM_001875.5(CPS1):c.1198_1201del (p.Lys400fs)

Gene: CPS1 (carbamoyl-phosphate synthase 1; plus strand). Cytogenetic location: 2q34.
Variant type: Microsatellite.
Coding change: c.1198_1201del on transcript NM_001875.5 (MANE Select); coding-DNA positions 1198 to 1201, 4 bases deleted (AAAG; older notation c.1198_1201delAAAG).
Protein change: p.Lys400fs; shifts the reading frame from lysine 400.
Molecular consequence: frameshift variant. On other transcripts: non-coding transcript variant (2).
Genome position (GRCh38, 1-based): chr2:210,594,541-210,594,544, AAAG deleted; deleting any 4 consecutive bases within chr2:210,594,537-210,594,544 gives the same sequence; the c. name uses the placement nearest the transcript's 3' end. VCF-style (leftmost placement, unchanged base first): chr2-210594536-TAAAG-T. GRCh37 (hg19) VCF-style: chr2-211459260-TAAAG-T.
Other names: c.1198_1201del, p.Lys400fs (NM_001122633.3, NM_001369257.1); c.1231_1234del, p.Lys411fs (NM_001369256.1); short protein forms K400fs, K411fs.
Identifiers: ClinVar variation 2128824 (VCV002128824.5), dbSNP rs2469133056, ClinGen allele CA2580616666.